The following is an entry in ClinVar:

NM_001159699.2(FHL1):c.576C>G (p.Tyr192Ter)

Gene: FHL1 (four and a half LIM domains 1; plus strand). Cytogenetic location: Xq26.3.
Variant type: single nucleotide variant.
Coding change: c.576C>G on transcript NM_001159699.2 (MANE Select); coding-DNA position 576, C replaced by G.
Protein change: p.Tyr192Ter; replaces tyrosine 192 with a stop codon.
Molecular consequence: nonsense. On other transcripts: non-coding transcript variant (1), intron variant (2).
Genome position (GRCh38, 1-based): chrX:136,208,481, C>G. VCF-style: chrX-136208481-C-G. GRCh37 (hg19) VCF-style: chrX-135290640-C-G.
Other names: c.528C>G, p.Tyr176Ter (NM_001159700.2, NM_001159702.3, NM_001159704.1 and 8 more transcripts); c.615C>G, p.Tyr205Ter (NM_001159701.2); c.501+520C>G (NM_001159703.2); c.549+520C>G (NM_001330659.2); short protein forms Y176*, Y205*, Y192*.
Identifiers: ClinVar variation 1456031 (VCV001456031.6), dbSNP rs1603272191, ClinGen allele CA414608744.

ClinVar aggregate classification (germline): Pathogenic/Likely pathogenic. Review status: criteria provided, multiple submitters, no conflicts (2 of 4 stars). 2 submissions from 2 submitters: Pathogenic (1); Likely pathogenic (1). Last evaluated 2023-10-18.

Conditions:
X-linked myopathy with postural muscle atrophy. Also called: FHL1-Related Emery-Dreifuss Muscular Dystrophy, X-Linked. Identifiers: Orphanet 178461, MedGen C2678055, MONDO:0010401, OMIM 300696.
Familial hemophagocytic lymphohistiocytosis type 1. Also called: ERYTHROPHAGOCYTIC LYMPHOHISTIOCYTOSIS, FAMILIAL; HEMOPHAGOCYTIC RETICULOSIS, FAMILIAL; RETICULOSIS, FAMILIAL HISTIOCYTIC. Identifiers: Orphanet 540, MedGen C4551514, MONDO:0009974, OMIM 267700.

Submissions (2):

ARUP Laboratories, Molecular Genetics and Genomics, ARUP Laboratories
Classification: Likely pathogenic for Familial hemophagocytic lymphohistiocytosis type 1. Last evaluated: 2023-10-18. Review status: criteria provided, single submitter. Criteria: ARUP Molecular Germline Variant Investigation Process 2024. Collection method: clinical testing. Allele origin: germline.
Comment: The FHL1 c.528C>G; p.Tyr176Ter variant, to our knowledge, is not reported in the medical literature but is reported in ClinVar (Variation ID: 1456031). This variant is also absent from the Genome Aggregation Database, indicating it is not a common polymorphism. This variant induces an early termination codon and is predicted to result in a truncated protein or mRNA subject to nonsense-mediated decay. Based on available information, this variant is considered to be likely pathogenic.

Labcorp Genetics (formerly Invitae), Labcorp
Classification: Pathogenic for X-linked myopathy with postural muscle atrophy. Last evaluated: 2022-03-08. Review status: criteria provided, single submitter. Criteria: Invitae Variant Classification Sherloc (09022015). Collection method: clinical testing. Allele origin: germline.
Comment: For these reasons, this variant has been classified as Pathogenic. Algorithms developed to predict the effect of sequence changes on RNA splicing suggest that this variant may create or strengthen a splice site. This variant has not been reported in the literature in individuals affected with FHL1-related conditions. This variant is not present in population databases (gnomAD no frequency). This sequence change creates a premature translational stop signal (p.Tyr176*) in the FHL1 gene. It is expected to result in an absent or disrupted protein product. Loss-of-function variants in FHL1 are known to be pathogenic (PMID: 18179888, 19687455, 19716112, 22523091, 24114807).

Literature cited by the submitters: PubMed 18179888 (cited by Labcorp Genetics (formerly Invitae), Labcorp); PubMed 19687455 (cited by Labcorp Genetics (formerly Invitae), Labcorp); PubMed 19716112 (cited by Labcorp Genetics (formerly Invitae), Labcorp); PubMed 22523091 (cited by Labcorp Genetics (formerly Invitae), Labcorp); PubMed 24114807 (cited by Labcorp Genetics (formerly Invitae), Labcorp).